The following is an entry in ClinVar:

ClinVar aggregate classification (germline): Likely pathogenic (1 of 4 stars; one submission).

Conditions:
Malan overgrowth syndrome (MALNS). Also called: Sotos syndrome 2; MALAN SYNDROME; NFIX-Related Malan Syndrome. Identifiers: Orphanet 420179, MedGen C3553660, MONDO:0013885, OMIM 614753.

Submission:

Women's Health and Genetics/Laboratory Corporation of America, LabCorp
Classification: Likely pathogenic for Sotos syndrome 2. Last evaluated: 2019-09-19. Review status: criteria provided, single submitter. Criteria: LabCorp Variant Classification Summary - May 2015. Collection method: clinical testing. Allele origin: germline.
Comment: Variant summary: NFIX c.772delC (p.Gln258ArgfsX2) results in a premature termination codon, predicted to cause a truncation of the encoded protein or absence of the protein due to nonsense mediated decay, which are commonly known mechanisms for disease. The variant was absent in 249208 control chromosomes (gnomAD). To our knowledge, no occurrence of c.772delC in individuals affected with Sotos syndrome 2 and no experimental evidence demonstrating its impact on protein function have been reported. No clinical diagnostic laboratories have submitted clinical-significance assessments for this variant to ClinVar after 2014. Based on the evidence outlined above, the variant was classified as likely pathogenic.

NM_001365902.3(NFIX):c.772del (p.Gln258fs)

Gene: NFIX (nuclear factor I X; plus strand). Cytogenetic location: 19p13.13.
Variant type: Deletion.
Coding change: c.772del on transcript NM_001365902.3 (MANE Select); coding-DNA position 772, one base deleted (C; older notation c.772delC).
Protein change: p.Gln258fs; shifts the reading frame from glutamine 258.
Molecular consequence: frameshift variant.
Genome position (GRCh38, 1-based): chr19:13,073,980, C deleted; the last of 2 consecutive C bases (chr19:13,073,979-13,073,980); deleting either gives the same sequence. VCF-style (leftmost placement, unchanged base first): chr19-13073978-AC-A. GRCh37 (hg19) VCF-style: chr19-13184792-AC-A.
Other names: c.796del, p.Gln266fs (NM_001271043.2); c.748del, p.Gln250fs (NM_001271044.3, NM_001378404.1); c.772del, p.Gln258fs (NM_001365982.2, NM_002501.4); c.631del, p.Gln211fs (NM_001365983.2); c.769del, p.Gln257fs (NM_001365984.2, NM_001365985.2); c.820del, p.Gln274fs (NM_001378405.1); short protein forms Q211fs, Q250fs, Q257fs, Q258fs, Q266fs, Q274fs.
Identifiers: ClinVar variation 928738 (VCV000928738.1), dbSNP rs2016920143, ClinGen allele CA1139666308.